The following is an entry in ClinVar:

ClinVar aggregate classification (germline): Uncertain significance (1 of 4 stars; one submission).

Conditions:
COL4A5-related disorder. Also called: COL4A5-related condition.

Submission:

PreventionGenetics, part of Exact Sciences
Classification: Uncertain significance for COL4A5-related condition. Last evaluated: 2026-05-16. Review status: criteria provided, single submitter. Criteria: ACMG Guidelines, 2015. Collection method: clinical testing. Allele origin: germline.
Comment: The COL4A5 c.1908A>G variant is predicted to result in the amino acid substitution p.Ile636Met. To our knowledge, this variant has not been reported in the literature or in a large population database (gnomAD), indicating this variant is rare. At this time, the clinical significance of this variant is uncertain due to the absence of conclusive functional and genetic evidence.

NM_033380.3(COL4A5):c.1908A>G (p.Ile636Met)

Gene: COL4A5 (collagen type IV alpha 5 chain; plus strand). Cytogenetic location: Xq22.3.
Variant type: single nucleotide variant.
Coding change: c.1908A>G on transcript NM_033380.3 (MANE Select); coding-DNA position 1908, A replaced by G.
Protein change: p.Ile636Met; replaces isoleucine 636 with methionine.
Molecular consequence: missense variant.
Genome position (GRCh38, 1-based): chrX:108,598,830, A>G. VCF-style: chrX-108598830-A-G. GRCh37 (hg19) VCF-style: chrX-107842060-A-G.
Other names: c.1908A>G, p.Ile636Met (NM_000495.5); short protein forms I636M.
Identifiers: ClinVar variation 4996218 (VCV004996218.1).